The following is an entry in ClinVar:

NM_020944.3(GBA2):c.1444A>C (p.Asn482His)

Gene: GBA2 (glucosylceramidase beta 2; minus strand). Cytogenetic location: 9p13.3.
Variant type: single nucleotide variant.
Coding change: c.1444A>C on transcript NM_020944.3 (MANE Select); coding-DNA position 1444, A replaced by C.
Protein change: p.Asn482His; replaces asparagine 482 with histidine.
Molecular consequence: missense variant.
Genome position (GRCh38, 1-based): chr9:35,739,766, T>G on the plus strand (A>C on the coding strand, the complement: GBA2 is on the minus strand). VCF-style: chr9-35739766-T-G. GRCh37 (hg19) VCF-style: chr9-35739763-T-G.
Other names: (p.Asn482His); c.1444A>C, p.Asn482His (NM_001330660.2); short protein forms N482H.
Identifiers: ClinVar variation 973832 (VCV000973832.2), dbSNP rs1826525053, ClinGen allele CA373413128.
Genomic context (GRCh38, chr9:35,739,766, plus strand): 5'-GGGAGTCCTCAAGAACTTCCAGCCACACTGTGCCTCCATCAGCCAGGAAGTATAGTTCAT[T>G]GAACAGCGCAGATTTGTACCAGGCAGGCAGTGATCTGGGAAGCGAGGAGGAGGAAATGGT-3'
Protein context (NP_065995.1, residues 472-492): LPAWYKSALF[Asn482His]ELYFLADGGT

ClinVar aggregate classification (germline): Uncertain significance (1 of 4 stars; one submission).

Conditions:
Intellectual disability. Also called: intellectual disabilities; Intellectual developmental disorder; Intellectual functioning disability. Identifiers: MedGen C3714756, MeSH D008607, MONDO:0001071, HP:0001249.
Spastic paraparesis. Identifiers: MedGen C0037771, HP:0002313.
Primary dilated cardiomyopathy (DCM). Also called: Dilated Cardiomyopathy. Identifiers: Orphanet 217604, MedGen C0007193, MeSH D002311, MONDO:0005021, HP:0001644. Inheritance: Various modes of inheritance.
Polyneuropathy. Identifiers: MedGen C0152025, MONDO:0001824, HP:0001271.
Cerebellar ataxia. Identifiers: Orphanet 102002, MedGen C0007758, MONDO:0000437.

Submission:

Institute for Medical Genetics and Human Genetics, Charité - Universitätsmedizin Berlin
Classification: Uncertain significance for Intellectual disability; Ataxia; Polyneuropathy; Spastic paraparesis; Primary dilated cardiomyopathy. Review status: criteria provided, single submitter. Criteria: ACMG Guidelines, 2015. Collection method: clinical testing. Allele origin: germline. Inheritance: Autosomal recessive inheritance. Affected: yes. Observed: 1 compound heterozygote.
Comment: The GBA2 gene codes for the non-lysosomal enzyme ÃŸ-glucosidase 2. Bi-allelic mutations in the GBA2 gene cause the clinical picture of autosomal recessive spastic paraplegia type 46 (MIM # 614409). So far, about 20 mutations in the GBA2 gene have been described as causative, 11 of which are missense mutations (HMGD Professional 2019.1). It is a neurodegenerative disease characterized by slowly progressing spastic paraplegia and cerebellar disorders (cerebellar ataxia, dysarthria). Some patients have also developed cognitive impairment, axonal polyneuropathy and cataracts (Martin et al, 2013; Hammer et al, 2013). The sequence variant c.1444A>C leads to the exchange of the highly conserved amino acid asparagine to histidine at position 482. Several prediction programs classify this exchange as pathogenic. The variant has not yet been described in ExAC or gnomAD. In summary, there are two variants (PM2) that have not been described so far. After consultation with clinicians, they fit the clinical picture (PP4) and are classified as pathogenic by several prediction programs (PP3). According to the ACMG criteria, the variants must currently be formally classified as variants of unclear significance (class III).